The following is an entry in ClinVar:

NM_001037.5(SCN1B):c.448+161C>A

Gene: SCN1B (sodium voltage-gated channel beta subunit 1; plus strand). Cytogenetic location: 19q13.11.
Variant type: single nucleotide variant.
Coding change: c.448+161C>A on transcript NM_001037.5 (MANE Select); 161 bases into the intron after coding-DNA position 448, C replaced by A.
Molecular consequence: intron variant. On other transcripts: synonymous variant (1).
Genome position (GRCh38, 1-based): chr19:35,033,900, C>A. VCF-style: chr19-35033900-C-A. GRCh37 (hg19) VCF-style: chr19-35524804-C-A.
Other names: c.609C>A, p.Leu203= (NM_199037.5); c.349+161C>A (NM_001321605.2).
Identifiers: ClinVar variation 1161662 (VCV001161662.37), dbSNP rs1477139588, ClinGen allele CA507298863.

ClinVar aggregate classification (germline): Likely benign. Review status: criteria provided, multiple submitters, no conflicts (2 of 4 stars). 2 submissions from 2 submitters: Likely benign (2). Last evaluated 2023-11-24.

Conditions:
Brugada syndrome 5 (BRGDA5). Identifiers: Orphanet 130, Orphanet 871, MedGen C2748541, MONDO:0013015, OMIM 612838.

Allele frequency attached by ClinVar (database versions not stated): gnomAD 0.00001; gnomAD exomes 0.00001; TOPMed 0.00001.
gnomAD v4.1: 17 of 1,585,284 alleles (0.0011%); highest among the groups gnomAD compares: Non-Finnish European, 0.0014%; no homozygotes.

Submissions (2):

Labcorp Genetics (formerly Invitae), Labcorp
Classification: Likely benign for Brugada syndrome 5. Last evaluated: 2023-11-24. Review status: criteria provided, single submitter. Criteria: Invitae Variant Classification Sherloc (09022015). Collection method: clinical testing. Allele origin: germline.

CeGaT Center for Human Genetics Tuebingen
Classification: Likely benign. Last evaluated: 2022-11-01. Review status: criteria provided, single submitter. Criteria: CeGaT Center For Human Genetics Tuebingen Variant Classification Criteria Version 2. Collection method: clinical testing. Allele origin: germline. Affected: yes. Observed: 1 variant allele.
Comment: SCN1B: BP4, BP7